The following is an entry in ClinVar:

ClinVar aggregate classification (germline): Uncertain significance (1 of 4 stars; one submission).

Submission:

GeneDx
Classification: Uncertain significance. Last evaluated: 2026-04-08. Review status: criteria provided, single submitter. Criteria: GeneDx Variant Classification Process June 2021. Collection method: clinical testing. Allele origin: germline.
Comment: In silico analysis supports that this missense variant has a deleterious effect on protein structure/function; Has not been previously published as pathogenic or benign to our knowledge; This variant is associated with the following publications: (PMID: 12070251)

NM_004380.3(CREBBP):c.4153A>C (p.Met1385Leu)

Gene: CREBBP (CREB binding lysine acetyltransferase; minus strand). Cytogenetic location: 16p13.3.
Variant type: single nucleotide variant.
Coding change: c.4153A>C on transcript NM_004380.3 (MANE Select); coding-DNA position 4153, A replaced by C.
Protein change: p.Met1385Leu; replaces methionine 1385 with leucine.
Molecular consequence: missense variant.
Genome position (GRCh38, 1-based): chr16:3,739,705, T>G on the plus strand (A>C on the coding strand, the complement: CREBBP is on the minus strand). VCF-style: chr16-3739705-T-G. GRCh37 (hg19) VCF-style: chr16-3789706-T-G.
Other names: c.4039A>C, p.Met1347Leu (NM_001079846.1); short protein forms M1347L, M1385L.
Identifiers: ClinVar variation 5016882 (VCV005016882.1).